The following is an entry in ClinVar:

ClinVar aggregate classification (germline): Likely benign. Review status: criteria provided, multiple submitters, no conflicts (2 of 4 stars). 2 submissions from 2 submitters: Likely benign (2). Last evaluated 2025-03-23.

Conditions:
Gastrointestinal stromal tumor. Also called: Gastrointestinal stromal tumor, somatic; Gastrointestinal stroma tumor. Identifiers: Orphanet 44890, MedGen C0238198, MeSH D046152, MONDO:0011719, OMIM 606764, HP:0100723.
Pheochromocytoma/paraganglioma syndrome 4. Also called: SDHB-Related Hereditary Paraganglioma-Pheochromocytoma Syndrome (Paragangliomas 4); SDHB-Related Hereditary Paraganglioma-Pheochromocytoma Syndrome; CAROTID BODY TUMORS AND MULTIPLE EXTRAADRENAL PHEOCHROMOCYTOMAS; PARAGANGLIOMA, FAMILIAL MALIGNANT; PARAGANGLIOMAS, HEREDITARY EXTRAADRENAL; PHEOCHROMOCYTOMA, FAMILIAL EXTRAADRENAL. Identifiers: Orphanet 29072, MedGen C1861848, MONDO:0007273, OMIM 115310.
Pheochromocytoma. Also called: MAX-Related Hereditary Paraganglioma-Pheochromocytoma Syndrome. Identifiers: Orphanet 29072, MedGen C0031511, MONDO:0008233, OMIM 171300, HP:0002666.

Allele frequency attached by ClinVar (database versions not stated): TOPMed below 0.00001; ExAC 0.00001; gnomAD 0.00001; ESP Exome Variant Server 0.00008.
gnomAD v4.1: 1 of 1,612,836 alleles (0.000062%); highest among the groups gnomAD compares: African/African-American, 0.0013%; no homozygotes.

Submissions (2):

Labcorp Genetics (formerly Invitae), Labcorp
Classification: Likely benign for Gastrointestinal stromal tumor; Pheochromocytoma/paraganglioma syndrome 4; Pheochromocytoma. Last evaluated: 2025-03-23. Review status: criteria provided, single submitter. Criteria: Invitae Variant Classification Sherloc (09022015). Collection method: clinical testing. Allele origin: germline.

Myriad Genetics, Inc.
Classification: Likely benign for Pheochromocytoma/paraganglioma syndrome 4. Last evaluated: 2025-03-13. Review status: criteria provided, single submitter. Criteria: Myriad Autosomal Dominant, Autosomal Recessive and X-Linked Classification Criteria (2023). Collection method: clinical testing. Allele origin: unknown.
Comment: This variant is considered likely benign. This variant is intronic and is not expected to impact mRNA splicing.

NM_003000.3(SDHB):c.643-7T>C

Gene: SDHB (succinate dehydrogenase complex iron sulfur subunit B; minus strand). Cytogenetic location: 1p36.13.
Variant type: single nucleotide variant.
Coding change: c.643-7T>C on transcript NM_003000.3 (MANE Select); 7 bases into the intron before coding-DNA position 643, T replaced by C.
Molecular consequence: intron variant.
Genome position (GRCh38, 1-based): chr1:17,022,737, A>G on the plus strand (T>C on the coding strand, the complement: SDHB is on the minus strand). VCF-style: chr1-17022737-A-G. GRCh37 (hg19) VCF-style: chr1-17349232-A-G.
Identifiers: ClinVar variation 760068 (VCV000760068.8), dbSNP rs374921867, ClinGen allele CA089700.
Genomic context (GRCh38, chr1:17,022,737, plus strand): 5'-GGCCAGGCGCTCCTCTGTGAAGTCATCTCTGGAGTCAATCATCCAGCGATAGGCCTGGAA[A>G]ACCAGGGATGATTAGCTGAGCTGCCAATCAACAGGCCAGAGCGGCACCCTGGCTCAACTC-3'